The following is an entry in ClinVar:

NM_181523.3(PIK3R1):c.1691_1729del (p.Asn564_Thr576del)

Gene: PIK3R1 (phosphoinositide-3-kinase regulatory subunit 1; plus strand). Cytogenetic location: 5q13.1.
Variant type: Deletion.
Coding change: c.1691_1729del on transcript NM_181523.3 (MANE Select); coding-DNA positions 1691 to 1729, 39 bases deleted.
Protein change: p.Asn564_Thr576del.
Genome position (GRCh38, 1-based): chr5:68,295,270-68,295,308, 39 bases deleted; deleting any 39 consecutive bases within chr5:68,295,268-68,295,308 gives the same sequence; the c. name uses the placement nearest the transcript's 3' end. GRCh37 (hg19): chr5:67,591,098-67,591,136.
Other names: c.602_640del, p.Asn201_Thr213del (NM_001242466.2); c.881_919del, p.Asn294_Thr306del (NM_181504.4); c.791_829del, p.Asn264_Thr276del (NM_181524.2).
Identifiers: ClinVar variation 4530388 (VCV004530388.1).

ClinVar aggregate classification (somatic clinical impact): Tier I - Strong (1 of 4 stars; one submission).

Conditions:
Diffuse midline glioma, H3 K27M-mutant. Identifiers: MedGen C4289688, MONDO:0957196.

Submission:

Institute for Genomic Medicine (IGM) Clinical Laboratory, Nationwide Children's Hospital
Classification: Tier I - Strong for Diffuse midline glioma, H3 K27M-mutant. Assertion type: diagnostic. Clinical significance: supports diagnosis. Last evaluated: 2024-12-10. Review status: criteria provided, single submitter. Criteria: AMP/ASCO/CAP Guidelines, 2017. Collection method: clinical testing. Allele origin: somatic. Affected: yes.
Comment: Variant has Tier I (strong) clinical significance as a diagnostic inclusion criterion in diffuse midline glioma, H3 K27M-mutant, based on the following evidence: 1) Documented in one or more cancer databases (e.g., St. Jude Pecan, COSMIC, CIViC, OncoKB). 2) Appears in one or more well-established professional guidelines (e.g., World Health Organization [WHO]; National Comprehensive Cancer Network [NCCN]) as providing diagnostic, prognostic, or therapeutic information. 3) Diagnostic for a specific tumor type/classification based on well-powered studies with expert-level consensus (Evidence Level B; PMIDs: 27048880, 28966033, 24705250, 24705251, 24705252, 29967352, 31348837, 32555164, 32680567).

Literature cited by the submitters: PubMed 27048880; PubMed 28966033; PubMed 24705250; PubMed 24705251; PubMed 24705252; PubMed 29967352; PubMed 31348837; PubMed 32555164; PubMed 32680567.